The following is an entry in ClinVar:

ClinVar aggregate classification (germline): Uncertain significance (1 of 4 stars; one submission).

Conditions:
Intellectual developmental disorder, FRA12A type. Also called: Intellectual disability, FRA12A type. Identifiers: MedGen C1969893, MONDO:0007634, OMIM 136630.

Submission:

Laboratorio de Genetica e Diagnostico Molecular, Hospital Israelita Albert Einstein
Classification: Uncertain significance for Intellectual developmental disorder, FRA12A type. Last evaluated: 2025-04-22. Review status: criteria provided, single submitter. Criteria: ACMG Guidelines, 2015. Collection method: clinical testing. Allele origin: germline. Affected: yes.
Comment: ACMG classification criteria: PM2 supporting, PP3 supporting

NM_173602.3(DIP2B):c.1207-1G>A

Gene: DIP2B (DIP2 acetate--CoA ligase B (putative); plus strand). Cytogenetic location: 12q13.12.
Variant type: single nucleotide variant.
Coding change: c.1207-1G>A on transcript NM_173602.3 (MANE Select); the canonical splice acceptor site of the intron before coding-DNA position 1207, G replaced by A.
Molecular consequence: splice acceptor variant.
Genome position (GRCh38, 1-based): chr12:50,683,137, G>A. VCF-style: chr12-50683137-G-A. GRCh37 (hg19) VCF-style: chr12-51076920-G-A.
Identifiers: ClinVar variation 3901950 (VCV003901950.1).